The following is an entry in ClinVar:

NM_003107.3(SOX4):c.396G>A (p.Lys132=)

Gene: SOX4 (SRY-box transcription factor 4; plus strand). Cytogenetic location: 6p22.3.
Variant type: single nucleotide variant.
Coding change: c.396G>A on transcript NM_003107.3 (MANE Select); coding-DNA position 396, G replaced by A.
Protein change: p.Lys132=; no amino-acid change (lysine 132 retained).
Molecular consequence: synonymous variant.
Genome position (GRCh38, 1-based): chr6:21,594,930, G>A. VCF-style: chr6-21594930-G-A. GRCh37 (hg19) VCF-style: chr6-21595161-G-A.
Identifiers: ClinVar variation 2656266 (VCV002656266.24), dbSNP rs771255504, ClinGen allele CA3653577.

ClinVar aggregate classification (germline): Likely benign (1 of 4 stars; one submission).

Allele frequency attached by ClinVar (database versions not stated): gnomAD 0.00001; gnomAD exomes 0.00001; ExAC 0.00002; TOPMed 0.00002.

Submission:

CeGaT Center for Human Genetics Tuebingen
Classification: Likely benign. Last evaluated: 2023-09-01. Review status: criteria provided, single submitter. Criteria: CeGaT Center For Human Genetics Tuebingen Variant Classification Criteria Version 2. Collection method: clinical testing. Allele origin: germline. Affected: yes. Observed: 1 variant allele.
Comment: SOX4: BP4, BP7